The following is an entry in ClinVar:

NM_001364171.2(ODAD1):c.704G>A (p.Arg235His)

Gene: ODAD1 (outer dynein arm docking complex subunit 1; minus strand). Cytogenetic location: 19q13.33.
Variant type: single nucleotide variant.
Coding change: c.704G>A on transcript NM_001364171.2 (MANE Select); coding-DNA position 704, G replaced by A.
Protein change: p.Arg235His; replaces arginine 235 with histidine.
Molecular consequence: missense variant.
Genome position (GRCh38, 1-based): chr19:48,304,102, C>T on the plus strand (G>A on the coding strand, the complement: ODAD1 is on the minus strand). VCF-style: chr19-48304102-C-T. GRCh37 (hg19) VCF-style: chr19-48807359-C-T.
Other names: c.593G>A, p.Arg198His (NM_144577.4); short protein forms R198H, R235H.
Identifiers: ClinVar variation 1800109 (VCV001800109.2), dbSNP rs372835806, ClinGen allele CA9548982.

ClinVar aggregate classification (germline): Uncertain significance (1 of 4 stars; one submission).

Conditions:
Primary ciliary dyskinesia. Also called: Ciliary dyskinesia. Identifiers: Orphanet 244, MedGen C0008780, MONDO:0016575, HP:0012265.

Allele frequency attached by ClinVar (database versions not stated): TOPMed below 0.00001; gnomAD 0.00001; ESP Exome Variant Server 0.00008.
gnomAD v4.1: 40 of 1,613,404 alleles (0.0025%); highest among the groups gnomAD compares: South Asian, 0.0044%; no homozygotes.

Submission:

Ambry Genetics
Classification: Uncertain significance for Primary ciliary dyskinesia. Last evaluated: 2022-07-25. Review status: criteria provided, single submitter. Criteria: Ambry Variant Classification Scheme 2023. Collection method: clinical testing. Allele origin: germline.
Comment: The p.R198H variant (also known as c.593G>A), located in coding exon 6 of the CCDC114 gene, results from a G to A substitution at nucleotide position 593. The arginine at codon 198 is replaced by histidine, an amino acid with highly similar properties. This amino acid position is conserved. In addition, this alteration is predicted to be tolerated by in silico analysis. Since supporting evidence is limited at this time, the clinical significance of this alteration remains unclear.